The following is an entry in ClinVar:

ClinVar aggregate classification (germline): Likely benign (1 of 4 stars; one submission).

Conditions:
Autosomal dominant nonsyndromic hearing loss 4A. Also called: Deafness, autosomal dominant 4A. Identifiers: Orphanet 90635, MedGen C1833503, MONDO:0010915, OMIM 600652.

Allele frequency attached by ClinVar (database versions not stated): gnomAD exomes 0.00023 and 0.00045; gnomAD 0.00025 and 0.00029; TOPMed 0.00025; ExAC 0.00030.

Submission:

Illumina Laboratory Services, Illumina
Classification: Likely benign for Autosomal dominant nonsyndromic hearing loss 4A. Last evaluated: 2018-03-06. Review status: criteria provided, single submitter. Criteria: ICSL Variant Classification Criteria 13 December 2019. Collection method: clinical testing. Allele origin: germline.
Comment: This variant was observed in the ICSL laboratory as part of a predisposition screen in an ostensibly healthy population. It had not been previously curated by ICSL or reported in the Human Gene Mutation Database (HGMD: prior to June 1st, 2018), and was therefore a candidate for classification through an automated scoring system. Utilizing variant allele frequency, disease prevalence and penetrance estimates, and inheritance mode, an automated score was calculated to assess if this variant is too frequent to cause the disease. Based on the score and internal cut-off values, a variant classified as likely benign is not then subjected to further curation. The score for this variant resulted in a classification of likely benign for this disease.

NM_001145809.2(MYH14):c.*86G>A

Gene: MYH14 (myosin heavy chain 14; plus strand). Cytogenetic location: 19q13.33.
Variant type: single nucleotide variant.
Coding change: c.*86G>A on transcript NM_001145809.2 (MANE Select); 86 bases downstream of the stop codon, G replaced by A.
Molecular consequence: 3 prime UTR variant.
Genome position (GRCh38, 1-based): chr19:50,309,876, G>A. VCF-style: chr19-50309876-G-A. GRCh37 (hg19) VCF-style: chr19-50813133-G-A.
Other names: c.*86G>A (NM_001077186.2, NM_024729.4).
Identifiers: ClinVar variation 894015 (VCV000894015.4), dbSNP rs772673014, ClinGen allele CA9594016.